The following is an entry in ClinVar:

ClinVar aggregate classification (germline): Uncertain significance (0 of 4 stars; one submission).

Conditions:
SETX-related disorder. Also called: SETX-related condition; SETX-related disorders. Identifiers: MedGen CN239403.

gnomAD v4.1: 18 of 1,613,750 alleles (0.0011%); highest among the groups gnomAD compares: Non-Finnish European, 0.0015%; no homozygotes.

Submission:

PreventionGenetics, part of Exact Sciences
Classification: Uncertain significance for SETX-related condition. Last evaluated: 2024-07-17. Review status: no assertion criteria provided. Collection method: clinical testing. Allele origin: germline.
Comment: The SETX c.6166G>A variant is predicted to result in the amino acid substitution p.Val2056Ile. To our knowledge, this variant has not been reported in the literature. This variant is reported in 0.0023% of alleles in individuals of European (Non-Finnish) descent in gnomAD. At this time, the clinical significance of this variant is uncertain due to the absence of conclusive functional and genetic evidence.

NM_015046.7(SETX):c.6166G>A (p.Val2056Ile)

Gene: SETX (senataxin; minus strand). Cytogenetic location: 9q34.13.
Variant type: single nucleotide variant.
Coding change: c.6166G>A on transcript NM_015046.7 (MANE Select); coding-DNA position 6166, G replaced by A.
Protein change: p.Val2056Ile; replaces valine 2056 with isoleucine.
Molecular consequence: missense variant.
Genome position (GRCh38, 1-based): chr9:132,288,592, C>T on the plus strand (G>A on the coding strand, the complement: SETX is on the minus strand). VCF-style: chr9-132288592-C-T. GRCh37 (hg19) VCF-style: chr9-135163979-C-T.
Other names: c.6166G>A, p.Val2056Ile (NM_001351527.2, NM_001351528.2); short protein forms V2056I.
Identifiers: ClinVar variation 3358103 (VCV003358103.1).
Genomic context (GRCh38, chr9:132,288,592, plus strand): 5'-ACCACATTCAGTACTTACTCATTCTGTGGTTTACTTGGCTGTCCAAACTGAACTTTAGAA[C>T]CTCACTATTAATAGACTTTTCTGGACCCAGTCGTACTAAATTTATATCTCCACAGTTTCC-3'
Protein context (NP_055861.3, residues 2046-2066): LGPEKSINSE[Val2056Ile]LKFSLDSQVN